The following is an entry in ClinVar:

ClinVar aggregate classification (germline): Uncertain significance (1 of 4 stars; one submission).

Allele frequency attached by ClinVar (database versions not stated): gnomAD exomes 0.00002 and 0.00004; TOPMed 0.00003; ExAC 0.00004; gnomAD 0.00004; ESP Exome Variant Server 0.00015; 1000 Genomes Project 30x 0.00016; 1000 Genomes Project 0.00020.
gnomAD v4.1: 29 of 1,614,144 alleles (0.0018%); highest among the groups gnomAD compares: South Asian, 0.011%; no homozygotes.

Submission:

Labcorp Genetics (formerly Invitae), Labcorp
Classification: Uncertain significance. Last evaluated: 2025-09-03. Review status: criteria provided, single submitter. Criteria: Invitae Variant Classification Sherloc (09022015). Collection method: clinical testing. Allele origin: germline.
Comment: This sequence change replaces glycine, which is neutral and non-polar, with arginine, which is basic and polar, at codon 987 of the ASXL1 protein (p.Gly987Arg). This variant is present in population databases (rs376074119, gnomAD 0.02%). This variant has not been reported in the literature in individuals affected with ASXL1-related conditions. ClinVar contains an entry for this variant (Variation ID: 1426656). An algorithm developed to predict the effect of missense changes on protein structure and function (PolyPhen-2) suggests that this variant is likely to be tolerated. In summary, the available evidence is currently insufficient to determine the role of this variant in disease. Therefore, it has been classified as a Variant of Uncertain Significance.

NM_015338.6(ASXL1):c.2959G>A (p.Gly987Arg)

Gene: ASXL1 (ASXL transcriptional regulator 1; plus strand). Cytogenetic location: 20q11.21.
Variant type: single nucleotide variant.
Coding change: c.2959G>A on transcript NM_015338.6 (MANE Select); coding-DNA position 2959, G replaced by A.
Protein change: p.Gly987Arg; replaces glycine 987 with arginine.
Molecular consequence: missense variant.
Genome position (GRCh38, 1-based): chr20:32,435,671, G>A. VCF-style: chr20-32435671-G-A. GRCh37 (hg19) VCF-style: chr20-31023474-G-A.
Other names: c.2776G>A, p.Gly926Arg (NM_001363734.1); short protein forms G926R, G987R.
Identifiers: ClinVar variation 1426656 (VCV001426656.8), dbSNP rs376074119, ClinGen allele CA9808734.